The following is an entry in ClinVar:

NM_001123385.2(BCOR):c.2351A>T (p.Asn784Ile)

Gene: BCOR (BCL6 corepressor; minus strand). Cytogenetic location: Xp11.4.
Variant type: single nucleotide variant.
Coding change: c.2351A>T on transcript NM_001123385.2 (MANE Select); coding-DNA position 2351, A replaced by T.
Protein change: p.Asn784Ile; replaces asparagine 784 with isoleucine.
Molecular consequence: missense variant.
Genome position (GRCh38, 1-based): chrX:40,072,995, T>A on the plus strand (A>T on the coding strand, the complement: BCOR is on the minus strand). VCF-style: chrX-40072995-T-A. GRCh37 (hg19) VCF-style: chrX-39932248-T-A.
Other names: c.2351A>T, p.Asn784Ile (NM_001123383.2, NM_001123384.2, NM_017745.6); short protein forms N784I.
Identifiers: ClinVar variation 2720002 (VCV002720002.3), dbSNP rs762494676, ClinGen allele CA412743163.

ClinVar aggregate classification (germline): Uncertain significance (1 of 4 stars; one submission).

Conditions:
Oculofaciocardiodental syndrome (MCOPS2). Identifiers: Orphanet 2712, MedGen C1846265, MONDO:0010261, OMIM 300166.

Submission:

Labcorp Genetics (formerly Invitae), Labcorp
Classification: Uncertain significance for Oculofaciocardiodental syndrome. Last evaluated: 2024-04-15. Review status: criteria provided, single submitter. Criteria: Invitae Variant Classification Sherloc (09022015). Collection method: clinical testing. Allele origin: germline.
Comment: This sequence change replaces asparagine, which is neutral and polar, with isoleucine, which is neutral and non-polar, at codon 784 of the BCOR protein (p.Asn784Ile). This variant is not present in population databases (gnomAD no frequency). This variant has not been reported in the literature in individuals affected with BCOR-related conditions. An algorithm developed to predict the effect of missense changes on protein structure and function (PolyPhen-2) suggests that this variant is likely to be tolerated. In summary, the available evidence is currently insufficient to determine the role of this variant in disease. Therefore, it has been classified as a Variant of Uncertain Significance.